The following is an entry in ClinVar:

ClinVar aggregate classification (germline): Benign/Likely benign. Review status: criteria provided, multiple submitters, no conflicts (2 of 4 stars). 25 submissions from 18 submitters: Benign (15); Likely benign (5). 5 of the submissions do not count toward it. Last evaluated 2026-02-04.

Conditions:
Cardiovascular phenotype. Identifiers: MedGen CN230736.
Dilated cardiomyopathy 1G (CMD1G). Identifiers: Orphanet 154, MedGen C1858763, MONDO:0011400, OMIM 604145.
Autosomal recessive limb-girdle muscular dystrophy type 2J (LGMDR10). Also called: Limb-girdle muscular dystrophy, type 2J; MUSCULAR DYSTROPHY, LIMB-GIRDLE, AUTOSOMAL RECESSIVE 10. Identifiers: Orphanet 140922, MedGen C1837342, MONDO:0012127, OMIM 608807.
Cardiomyopathy (CMYO). Also called: Cardiomyopathies. Identifiers: Orphanet 167848, MedGen C0878544, MONDO:0004994, HP:0001638. Inheritance: Various modes of inheritance.
Early-onset myopathy with fatal cardiomyopathy (CMYO5). Also called: CONGENITAL MYOPATHY 5 WITH CARDIOMYOPATHY; Salih Myopathy. Identifiers: Orphanet 289377, MedGen C2673677, MONDO:0012714, OMIM 611705. Disease mechanism: loss of function.
Myopathy, myofibrillar, 9, with early respiratory failure (MFM9). Also called: MYOPATHY, PROXIMAL, WITH EARLY RESPIRATORY MUSCLE INVOLVEMENT; Myopathy, distal, with early respiratory failure, autosomal dominant; Hereditary myopathy with early respiratory failure; EDSTROM MYOPATHY. Identifiers: Orphanet 178464, Orphanet 34521, MedGen C1863599, MONDO:0011362, OMIM 603689.
Tibial muscular dystrophy (TMD). Also called: Tibial muscular dystrophy, tardive; UDD MYOPATHY; Udd Distal Myopathy – Tibial Muscular Dystrophy. Identifiers: Orphanet 609, MedGen C1838244, MONDO:0010870, OMIM 600334.

Allele frequency attached by ClinVar (database versions not stated): gnomAD exomes 0.00244 and 0.00504; ExAC 0.00527; ESP Exome Variant Server 0.01115; gnomAD 0.01178 and 0.01259; 1000 Genomes Project 0.01198; 1000 Genomes Project 30x 0.01312; TOPMed 0.01374.
gnomAD v4.1: 5,572 of 1,613,760 alleles (0.35%); highest among the groups gnomAD compares: African/African-American, 3.7%; 77 homozygotes.

Submissions (25):

Labcorp Genetics (formerly Invitae), Labcorp
Classification: Benign for Dilated cardiomyopathy 1G; Autosomal recessive limb-girdle muscular dystrophy type 2J. Last evaluated: 2026-02-04. Review status: criteria provided, single submitter. Criteria: Invitae Variant Classification Sherloc (09022015). Collection method: clinical testing. Allele origin: germline.

Molecular Diagnostic Laboratory for Inherited Cardiovascular Disease, Montreal Heart Institute
Classification: Likely benign. Last evaluated: 2025-04-09. Review status: criteria provided, single submitter. Criteria: ACMG Guidelines, 2015. Collection method: clinical testing. Allele origin: germline. Affected: no.

ARUP Laboratories, Molecular Genetics and Genomics, ARUP Laboratories
Classification: Benign. Last evaluated: 2025-03-27. Review status: criteria provided, single submitter. Criteria: ARUP Molecular Germline Variant Investigation Process 2024. Collection method: clinical testing. Allele origin: germline.

Genome-Nilou Lab
Classification: Benign for Autosomal recessive limb-girdle muscular dystrophy type 2J. Last evaluated: 2021-09-10. Review status: criteria provided, single submitter. Criteria: ACMG Guidelines, 2015. Collection method: clinical testing. Allele origin: germline. Affected: no.

Genome-Nilou Lab
Classification: Benign for Myopathy, myofibrillar, 9, with early respiratory failure. Last evaluated: 2021-09-10. Review status: criteria provided, single submitter. Criteria: ACMG Guidelines, 2015. Collection method: clinical testing. Allele origin: germline. Affected: no.

Genome-Nilou Lab
Classification: Benign for Early-onset myopathy with fatal cardiomyopathy. Last evaluated: 2021-09-10. Review status: criteria provided, single submitter. Criteria: ACMG Guidelines, 2015. Collection method: clinical testing. Allele origin: germline. Affected: no.

Genome-Nilou Lab
Classification: Benign for Tibial muscular dystrophy. Last evaluated: 2021-09-10. Review status: criteria provided, single submitter. Criteria: ACMG Guidelines, 2015. Collection method: clinical testing. Allele origin: germline. Affected: no.

Women's Health and Genetics/Laboratory Corporation of America, LabCorp
Classification: Likely benign. Last evaluated: 2020-03-10. Review status: criteria provided, single submitter. Criteria: LabCorp Variant Classification Summary - May 2015. Collection method: clinical testing. Allele origin: germline.

Mayo Clinic Laboratories, Mayo Clinic
Classification: Benign. Last evaluated: 2018-03-02. Review status: criteria provided, single submitter. Criteria: ACMG Guidelines, 2015. Collection method: clinical testing. Allele origin: germline. Observed: 36 variant alleles.

Illumina Laboratory Services, Illumina
Classification: Likely benign for Autosomal recessive limb-girdle muscular dystrophy type 2J. Last evaluated: 2018-01-12. Review status: criteria provided, single submitter. Criteria: ICSL Variant Classification Criteria 13 December 2019. Collection method: clinical testing. Allele origin: germline.
Comment: This variant was observed in the ICSL laboratory as part of a predisposition screen in an ostensibly healthy population. It had not been previously curated by ICSL or reported in the Human Gene Mutation Database (HGMD: prior to June 1st, 2018), and was therefore a candidate for classification through an automated scoring system. Utilizing variant allele frequency, disease prevalence and penetrance estimates, and inheritance mode, an automated score was calculated to assess if this variant is too frequent to cause the disease. Based on the score and internal cut-off values, a variant classified as likely benign is not then subjected to further curation. The score for this variant resulted in a classification of likely benign for this disease.

Illumina Laboratory Services, Illumina
Classification: Benign for Early-onset myopathy with fatal cardiomyopathy. Last evaluated: 2018-01-12. Review status: criteria provided, single submitter. Criteria: ICSL Variant Classification Criteria 13 December 2019. Collection method: clinical testing. Allele origin: germline.
Comment: This variant was observed in the ICSL laboratory as part of a predisposition screen in an ostensibly healthy population. It had not been previously curated by ICSL or reported in the Human Gene Mutation Database (HGMD: prior to June 1st, 2018), and was therefore a candidate for classification through an automated scoring system. Utilizing variant allele frequency, disease prevalence and penetrance estimates, and inheritance mode, an automated score was calculated to assess if this variant is too frequent to cause the disease. Based on the score and internal cut-off values, a variant classified as benign is not then subjected to further curation. The score for this variant resulted in a classification of benign for this disease.

Illumina Laboratory Services, Illumina
Classification: Likely benign for Dilated cardiomyopathy 1G. Last evaluated: 2018-01-12. Review status: criteria provided, single submitter. Criteria: ICSL Variant Classification Criteria 13 December 2019. Collection method: clinical testing. Allele origin: germline.
Comment: the same text as in the submission from Illumina Laboratory Services, Illumina above.

Illumina Laboratory Services, Illumina
Classification: Benign for Tibial muscular dystrophy. Last evaluated: 2018-01-12. Review status: criteria provided, single submitter. Criteria: ICSL Variant Classification Criteria 13 December 2019. Collection method: clinical testing. Allele origin: germline.
Comment: the same text as in the submission from Illumina Laboratory Services, Illumina above.

Illumina Laboratory Services, Illumina
Classification: Benign for Myopathy, myofibrillar, 9, with early respiratory failure. Last evaluated: 2018-01-12. Review status: criteria provided, single submitter. Criteria: ICSL Variant Classification Criteria 13 December 2019. Collection method: clinical testing. Allele origin: germline.
Comment: the same text as in the submission from Illumina Laboratory Services, Illumina above.

CHEO Genetics Diagnostic Laboratory, Children's Hospital of Eastern Ontario
Classification: Benign for Cardiomyopathy. Last evaluated: 2016-03-30. Review status: criteria provided, single submitter. Criteria: ACMG Guidelines, 2015. Collection method: clinical testing. Allele origin: germline. Study: Canadian Open Genetics Repository.

Biesecker Lab/Clinical Genomics Section, National Institutes of Health
Classification: Benign. Last evaluated: 2013-06-24. Review status: criteria provided, single submitter. Criteria: Ng et al. (Circ Cardiovasc Genet. 2013). Collection method: research. Allele origin: unknown. Observed: 9 variant alleles. Study: ClinSeq.
Comment: The study set was not selected for affection status in relation to any cancer. Pathogenicity categories were based on literature curation. See Pubmed ID:23861362 for details.

Medical sequencing

GeneDx
Classification: Benign. Last evaluated: 2013-04-26. Review status: criteria provided, single submitter. Criteria: GeneDx Variant Classification (06012015). Collection method: clinical testing. Allele origin: germline. Affected: yes.
Comment: This variant is considered likely benign or benign based on one or more of the following criteria: it is a conservative change, it occurs at a poorly conserved position in the protein, it is predicted to be benign by multiple in silico algorithms, and/or has population frequency not consistent with disease.

Ambry Genetics
Classification: Benign for Cardiovascular phenotype. Last evaluated: 2012-09-19. Review status: criteria provided, single submitter. Criteria: Ambry Autosomal Dominant and X-Linked criteria (10/2015). Collection method: clinical testing. Allele origin: germline. Observed: 1 variant allele.

Laboratory for Molecular Medicine, Mass General Brigham Personalized Medicine
Classification: Benign. Last evaluated: 2011-10-14. Review status: criteria provided, single submitter. Criteria: LMM Criteria. Collection method: clinical testing. Allele origin: germline. Observed: 26 variant alleles.

Breakthrough Genomics
Classification: Likely benign. Review status: criteria provided, single submitter. Criteria: ACMG Guidelines, 2015. Collection method: not provided. Allele origin: germline. Inheritance: Autosomal recessive inheritance. Affected: yes.

Clinical Genetics DNA and cytogenetics Diagnostics Lab, Erasmus MC, Erasmus Medical Center
Classification: Benign. Review status: no assertion criteria provided. Collection method: clinical testing. Allele origin: germline. Affected: yes. Study: VKGL Data-share Consensus. Not counted in ClinVar's aggregate classification.

Clinical Genetics, Academic Medical Center
Classification: Benign. Review status: no assertion criteria provided. Collection method: clinical testing. Allele origin: germline. Affected: yes. Study: VKGL Data-share Consensus. Not counted in ClinVar's aggregate classification.

Diagnostic Laboratory, Department of Genetics, University Medical Center Groningen
Classification: Likely benign. Review status: no assertion criteria provided. Collection method: clinical testing. Allele origin: germline. Affected: yes. Study: VKGL Data-share Consensus. Not counted in ClinVar's aggregate classification.

Genome Diagnostics Laboratory, University Medical Center Utrecht
Classification: Benign. Review status: no assertion criteria provided. Collection method: clinical testing. Allele origin: germline. Affected: yes. Study: VKGL Data-share Consensus. Not counted in ClinVar's aggregate classification.

Laboratory of Diagnostic Genome Analysis, Leiden University Medical Center (LUMC)
Classification: Likely benign. Review status: no assertion criteria provided. Collection method: clinical testing. Allele origin: germline. Affected: yes. Study: VKGL Data-share Consensus. Not counted in ClinVar's aggregate classification.

NM_001267550.2(TTN):c.4630A>G (p.Ile1544Val)

Genes: TTN (titin; minus strand), LOC101927055 (uncharacterized LOC101927055; plus strand). Cytogenetic location: 2q31.2.
Variant type: single nucleotide variant.
Coding change: c.4630A>G on transcript NM_001267550.2 (MANE Select); coding-DNA position 4630, A replaced by G.
Protein change: p.Ile1544Val; replaces isoleucine 1544 with valine.
Molecular consequence: missense variant. On other transcripts: non-coding transcript variant (1).
Genome position (GRCh38, 1-based): chr2:178,777,435, T>C on the plus strand (A>G on the coding strand, the complement: TTN is on the minus strand). VCF-style: chr2-178777435-T-C. GRCh37 (hg19) VCF-style: chr2-179642162-T-C.
Other names: p.I1544V:ATT>GTT; c.4492A>G, p.Ile1498Val (NM_133432.3, NM_003319.4, NM_133437.4); c.4630A>G, p.Ile1544Val (NM_001256850.1, NM_133378.4, NM_133379.5); short protein forms I1544V, I1498V.
Identifiers: ClinVar variation 47078 (VCV000047078.44), dbSNP rs72647877, ClinGen allele CA283429.
Genomic context (GRCh38, chr2:178,777,435, plus strand): 5'-CAAGTGATAAGAAAATTCATTTATTTTTATTTTATCTCATTTTACCTTCCACAGTTAAAA[T>C]CACTGAAATTGAAGATCTGCCTGCCCTGTTTTGGGCAACCACAGTCCATTCCCCAGAATC-3'
Protein context (NP_001254479.2, residues 1534-1554): NRAGRSSISV[Ile1544Val]LTVEAVEHQV